The following is an entry in ClinVar:

NM_001110556.2(FLNA):c.4353C>T (p.Val1451=)

Gene: FLNA (filamin A; minus strand). Cytogenetic location: Xq28.
Variant type: single nucleotide variant.
Coding change: c.4353C>T on transcript NM_001110556.2 (MANE Select); coding-DNA position 4353, C replaced by T.
Protein change: p.Val1451=; no amino-acid change (valine 1451 retained).
Molecular consequence: synonymous variant.
Genome position (GRCh38, 1-based): chrX:154,359,105, G>A on the plus strand (C>T on the coding strand, the complement: FLNA is on the minus strand). VCF-style: chrX-154359105-G-A. GRCh37 (hg19) VCF-style: chrX-153587473-G-A.
Other names: c.4353C>T, p.Val1451= (NM_001456.4).
Identifiers: ClinVar variation 1159988 (VCV001159988.13), dbSNP rs1028999299, ClinGen allele CA519276830.

ClinVar aggregate classification (germline): Likely benign. Review status: criteria provided, multiple submitters, no conflicts (2 of 4 stars). 2 submissions from 2 submitters: Likely benign (2). Last evaluated 2026-02-01.

Conditions:
Oto-palato-digital syndrome, type II (OPD2). Also called: Otopalatodigital Syndrome, Type II; FACIOPALATOOSSEOUS SYNDROME; Otopalatodigital Syndrome Type 2 (FLNA-OPD2); OPD II SYNDROME. Identifiers: Orphanet 669, Orphanet 90652, MedGen C1844696, MONDO:0010571, OMIM 304120.
Melnick-Needles syndrome (MNS). Also called: Melnick-Needles Syndrome (FLNA-MNS); MELNICK-NEEDLES OSTEODYSPLASTY; OSTEODYSPLASTY OF MELNICK AND NEEDLES. Identifiers: Orphanet 2484, MedGen C0025237, MONDO:0010650, OMIM 309350.
Heterotopia, periventricular, X-linked dominant (PVNH1). Also called: PERIVENTRICULAR NODULAR HETEROTOPIA 4; HETEROTOPIA, PERIVENTRICULAR, 1; X-linked periventricular heterotopia; PERIVENTRICULAR NODULAR HETEROTOPIA 1. Identifiers: Orphanet 2149, Orphanet 82004, MedGen C1848213, MONDO:0010233, OMIM 300049.
Frontometaphyseal dysplasia (FMD1). Identifiers: Orphanet 1826, MedGen C0265293, MONDO:0015942.

Submissions (2):

CeGaT Center for Human Genetics Tuebingen
Classification: Likely benign. Last evaluated: 2026-02-01. Review status: criteria provided, single submitter. Criteria: CeGaT Center For Human Genetics Tuebingen Variant Classification Criteria Version 2. Collection method: clinical testing. Allele origin: germline. Affected: yes. Observed: 1 variant allele.
Comment: FLNA: BP4, BP7

Labcorp Genetics (formerly Invitae), Labcorp
Classification: Likely benign for Oto-palato-digital syndrome, type II; Heterotopia, periventricular, X-linked dominant; Frontometaphyseal dysplasia; Melnick-Needles syndrome. Last evaluated: 2022-12-06. Review status: criteria provided, single submitter. Criteria: Invitae Variant Classification Sherloc (09022015). Collection method: clinical testing. Allele origin: germline.